The following is an entry in ClinVar:

NM_001035.3(RYR2):c.2334G>A (p.Met778Ile)

Gene: RYR2 (ryanodine receptor 2; plus strand). Cytogenetic location: 1q43.
Variant type: single nucleotide variant.
Coding change: c.2334G>A on transcript NM_001035.3 (MANE Select); coding-DNA position 2334, G replaced by A.
Protein change: p.Met778Ile; replaces methionine 778 with isoleucine.
Molecular consequence: missense variant.
Genome position (GRCh38, 1-based): chr1:237,500,841, G>A. VCF-style: chr1-237500841-G-A. GRCh37 (hg19) VCF-style: chr1-237664141-G-A.
Other names: short protein forms M778I.
Identifiers: ClinVar variation 43757 (VCV000043757.5), dbSNP rs397516521, ClinGen allele CA008772.

ClinVar aggregate classification (germline): Uncertain significance (1 of 4 stars; one submission).

Allele frequency attached by ClinVar (database versions not stated): TOPMed below 0.00001.

Submission:

Laboratory for Molecular Medicine, Mass General Brigham Personalized Medicine
Classification: Uncertain significance. Last evaluated: 2012-07-06. Review status: criteria provided, single submitter. Criteria: LMM Criteria. Collection method: clinical testing. Allele origin: germline. Observed: 1 variant allele.
Comment: The Met778Ile variant in RYR2 has not been reported in the literature nor previo usly identified by our laboratory. It has also not been detected in >1,900 Afric an American samples screened by the NHLBI Exome Sequencing Project (s.). Computational analyses (biochemical amino acid propertie s, conservation, AlignGVGD, PolyPhen2, and SIFT) do not provide strong support f or or against an impact to the protein. Additional information is needed to full y assess the clinical significance of this variant.